The following is an entry in ClinVar:

NM_001376571.1(MADD):c.2955C>A (p.Arg985=)

Gene: MADD (MAP kinase activating death domain; plus strand). Cytogenetic location: 11p11.2.
Variant type: single nucleotide variant.
Coding change: c.2955C>A on transcript NM_001376571.1 (MANE Select); coding-DNA position 2955, C replaced by A.
Protein change: p.Arg985=; no amino-acid change (arginine 985 retained).
Molecular consequence: synonymous variant. On other transcripts: non-coding transcript variant (7), intron variant (1).
Genome position (GRCh38, 1-based): chr11:47,290,005, C>A. VCF-style: chr11-47290005-C-A. GRCh37 (hg19) VCF-style: chr11-47311556-C-A.
Other names: c.2973C>A, p.Arg991= (NM_001376596.1); c.2766C>A, p.Arg922= (NM_001376597.1, NM_001376598.1, NM_001376603.1 and 20 more transcripts); c.2955C>A, p.Arg985= (NM_001376599.1, NM_001376600.1, NM_001376601.1 and 11 more transcripts); c.2802C>A, p.Arg934= (NM_001376602.1); c.2826C>A, p.Arg942= (NM_001376607.1, NM_001376617.1, NM_001376624.1 and 15 more transcripts); c.2895C>A, p.Arg965= (NM_001376608.1, NM_001376610.1, NM_001376612.1 and 12 more transcripts); c.2793C>A, p.Arg931= (NM_001376611.1, NM_001376613.1, NM_001376614.1 and 1 more transcripts); c.2691C>A, p.Arg897= (NM_001376620.1, NM_001376657.1); and 9 more.
Identifiers: ClinVar variation 2641762 (VCV002641762.24), dbSNP rs747722791, ClinGen allele CA5974623.

ClinVar aggregate classification (germline): Likely benign (1 of 4 stars; one submission).

Allele frequency attached by ClinVar (database versions not stated): ExAC 0.00002; gnomAD 0.00004; TOPMed 0.00005; gnomAD exomes 0.00007.
gnomAD v4.1: 121 of 1,614,016 alleles (0.0075%); highest among the groups gnomAD compares: Non-Finnish European, 0.0091%; no homozygotes.

Submission:

CeGaT Center for Human Genetics Tuebingen
Classification: Likely benign. Last evaluated: 2025-05-01. Review status: criteria provided, single submitter. Criteria: CeGaT Center For Human Genetics Tuebingen Variant Classification Criteria Version 2. Collection method: clinical testing. Allele origin: germline. Affected: yes. Observed: 2 variant alleles.
Comment: MADD: BP4, BP7